The following is an entry in ClinVar:

ClinVar aggregate classification (germline): Uncertain significance. Review status: criteria provided, multiple submitters, no conflicts (2 of 4 stars). 7 submissions from 7 submitters: Uncertain significance (7). Last evaluated 2026-03-09.

Conditions:
CR2-related disorder. Also called: CR2-related condition; CR2-related disorders.
Immunodeficiency, common variable, 7. Identifiers: Orphanet 1572, Orphanet 696894, MedGen C3542922, MONDO:0013862, OMIM 614699.
Immunodeficiency, common variable, 2 (CVID2). Also called: ANTIBODY DEFICIENCY DUE TO TACI DEFECT; HYPOGAMMAGLOBULINEMIA DUE TO TACI DEFICIENCY. Identifiers: Orphanet 1572, MedGen C3150354, MONDO:0009413, OMIM 240500.
Systemic lupus erythematosus, susceptibility to, 9. Also called: Systemic lupus erythematosus 9. Identifiers: MedGen C1970455, MONDO:0012584, OMIM 610927.

Allele frequency attached by ClinVar (database versions not stated): gnomAD exomes 0.00009 and 0.00010; ExAC 0.00012; TOPMed 0.00025; ESP Exome Variant Server 0.00031; gnomAD 0.00034; 1000 Genomes Project 30x 0.00078; 1000 Genomes Project 0.00100.
gnomAD v4.1: 199 of 1,613,976 alleles (0.012%); highest among the groups gnomAD compares: African/African-American, 0.12%; no homozygotes.

Submissions (7):

PreventionGenetics, part of Exact Sciences
Classification: Uncertain significance for CR2-related condition. Last evaluated: 2026-03-09. Review status: criteria provided, single submitter. Criteria: ACMG Guidelines, 2015. Collection method: clinical testing. Allele origin: germline.
Comment: The CR2 c.3047C>T variant is predicted to result in the amino acid substitution p.Ser1016Leu. This variant was reported in an individual with severe hypertension and renal microangiopathy (Patient 37, Larsen et al. 2017. PubMed ID: 29148534). This variant is reported in 0.052% of alleles in individuals of African descent in gnomAD, which may be too common to be causative of disease. Although we suspect that this variant may be benign, at this time, the clinical significance of this variant is uncertain due to the absence of conclusive functional and genetic evidence.

Blueprint Genetics
Classification: Uncertain significance. Last evaluated: 2024-11-23. Review status: criteria provided, single submitter. Criteria: ACMG Guidelines, 2015. Collection method: clinical testing. Allele origin: germline.

Genome-Nilou Lab
Classification: Uncertain significance for Immunodeficiency, common variable, 7. Last evaluated: 2023-04-11. Review status: criteria provided, single submitter. Criteria: ACMG Guidelines, 2015. Collection method: clinical testing. Allele origin: germline. Affected: no.

CeGaT Center for Human Genetics Tuebingen
Classification: Uncertain significance. Last evaluated: 2023-03-01. Review status: criteria provided, single submitter. Criteria: CeGaT Center For Human Genetics Tuebingen Variant Classification Criteria Version 2. Collection method: clinical testing. Allele origin: germline. Affected: yes. Observed: 2 variant alleles.
Comment: CR2: PM2, BP4

Labcorp Genetics (formerly Invitae), Labcorp
Classification: Uncertain significance for Immunodeficiency, common variable, 7. Last evaluated: 2022-10-25. Review status: criteria provided, single submitter. Criteria: Invitae Variant Classification Sherloc (09022015). Collection method: clinical testing. Allele origin: germline.
Comment: This sequence change replaces serine, which is neutral and polar, with leucine, which is neutral and non-polar, at codon 1016 of the CR2 protein (p.Ser1016Leu). This variant is present in population databases (rs138062179, gnomAD 0.05%). This variant has not been reported in the literature in individuals affected with CR2-related conditions. ClinVar contains an entry for this variant (Variation ID: 578084). Algorithms developed to predict the effect of missense changes on protein structure and function (SIFT, PolyPhen-2, Align-GVGD) all suggest that this variant is likely to be tolerated. In summary, the available evidence is currently insufficient to determine the role of this variant in disease. Therefore, it has been classified as a Variant of Uncertain Significance.

Fulgent Genetics
Classification: Uncertain significance for Immunodeficiency, common variable, 2; Systemic lupus erythematosus, susceptibility to, 9; Immunodeficiency, common variable, 7. Last evaluated: 2022-04-13. Review status: criteria provided, single submitter. Criteria: ACMG Guidelines, 2015. Collection method: clinical testing. Allele origin: unknown.

Breakthrough Genomics
Classification: Uncertain significance. Review status: criteria provided, single submitter. Criteria: ACMG Guidelines, 2015. Collection method: not provided. Allele origin: germline. Inheritance: Autosomal recessive inheritance. Affected: yes.

NM_001006658.3(CR2):c.3047C>T (p.Ser1016Leu)

Gene: CR2 (complement C3d receptor 2; plus strand). Cytogenetic location: 1q32.2.
Variant type: single nucleotide variant.
Coding change: c.3047C>T on transcript NM_001006658.3 (MANE Select); coding-DNA position 3047, C replaced by T.
Protein change: p.Ser1016Leu; replaces serine 1016 with leucine.
Molecular consequence: missense variant.
Genome position (GRCh38, 1-based): chr1:207,478,029, C>T. VCF-style: chr1-207478029-C-T. GRCh37 (hg19) VCF-style: chr1-207651374-C-T.
Other names: c.2870C>T, p.Ser957Leu (NM_001877.5); short protein forms S1016L, S957L.
Identifiers: ClinVar variation 578084 (VCV000578084.42), dbSNP rs138062179, ClinGen allele CA1369109.